The following is an entry in ClinVar:

NM_000535.7(PMS2):c.2047A>C (p.Asn683His)

Gene: PMS2 (PMS1 homolog 2, mismatch repair system component; minus strand). Cytogenetic location: 7p22.1.
Variant type: single nucleotide variant.
Coding change: c.2047A>C on transcript NM_000535.7 (MANE Select); coding-DNA position 2047, A replaced by C.
Protein change: p.Asn683His; replaces asparagine 683 with histidine.
Molecular consequence: missense variant. On other transcripts: non-coding transcript variant (1), intron variant (4).
Genome position (GRCh38, 1-based): chr7:5,982,951, T>G on the plus strand (A>C on the coding strand, the complement: PMS2 is on the minus strand). VCF-style: chr7-5982951-T-G. GRCh37 (hg19) VCF-style: chr7-6022582-T-G.
Other names: c.1738A>C, p.Asn580His (NM_001406880.1, NM_001406881.1, NM_001406882.1 and 5 more transcripts); c.1729A>C, p.Asn577His (NM_001406883.1, NM_001322007.2, NM_001322008.2 and 1 more transcripts); c.1723A>C, p.Asn575His (NM_001406884.1); c.1711A>C, p.Asn571His (NM_001406885.1); c.1681A>C, p.Asn561His (NM_001406886.1); c.1642A>C, p.Asn548His (NM_001406887.1, NM_001406888.1, NM_001406889.1 and 15 more transcripts); c.1582A>C, p.Asn528His (NM_001406900.1); c.1573A>C, p.Asn525His (NM_001406901.1, NM_001406902.1); and 16 more; short protein forms N372H, N426H, N525H, N548H, N561H, N282H, N631H, N647H.
Identifiers: ClinVar variation 2451605 (VCV002451605.2), dbSNP rs786202668, ClinGen allele CA366738111.

ClinVar aggregate classification (germline): Uncertain significance (1 of 4 stars; one submission).

Conditions:
Hereditary cancer-predisposing syndrome. Also called: Neoplastic Syndromes, Hereditary; Tumor predisposition; Hereditary neoplastic syndrome; Hereditary Cancer Syndrome. Identifiers: Orphanet 140162, MedGen C0027672, MeSH D009386, MONDO:0015356.

Submission:

Ambry Genetics
Classification: Uncertain significance for Hereditary cancer-predisposing syndrome. Last evaluated: 2023-01-15. Review status: criteria provided, single submitter. Criteria: Ambry Variant Classification Scheme 2023. Collection method: clinical testing. Allele origin: germline.
Comment: The p.N683H variant (also known as c.2047A>C), located in coding exon 12 of the PMS2 gene, results from an A to C substitution at nucleotide position 2047. The asparagine at codon 683 is replaced by histidine, an amino acid with similar properties. This amino acid position is conserved. In addition, the in silico prediction for this alteration is inconclusive. Since supporting evidence is limited at this time, the clinical significance of this alteration remains unclear.